The following is an entry in ClinVar:

ClinVar aggregate classification (germline): Conflicting classifications of pathogenicity. Review status: criteria provided, conflicting classifications (1 of 4 stars). 2 submissions from 2 submitters: Uncertain significance (1); Benign (1). Last evaluated 2026-08-04.

Conditions:
Familial thoracic aortic aneurysm and aortic dissection (TAAD). Also called: Thoracic aortic aneurysms and dissections. Identifiers: Orphanet 91387, MedGen C4707243, MONDO:0019625.
Marfan syndrome (MFS). Also called: Marfan syndrome type 1; Marfan's syndrome; MARFAN SYNDROME, TYPE I; FBN1-Related Marfan Syndrome; Marfan syndrome, classic. Identifiers: Orphanet 284963, Orphanet 558, MedGen C0024796, MONDO:0007947, OMIM 154700.

Allele frequency attached by ClinVar (database versions not stated): gnomAD exomes below 0.00001; ExAC 0.00001; gnomAD 0.00001; TOPMed 0.00002.
gnomAD v4.1: 5 of 1,613,994 alleles (0.00031%); highest among the groups gnomAD compares: Admixed American, 0.0017%; no homozygotes.

Submissions (2):

Ambry Genetics
Classification: Uncertain significance for Familial thoracic aortic aneurysm and aortic dissection. Last evaluated: 2026-08-04. Review status: criteria provided, single submitter. Criteria: Ambry Variant Classification Scheme 2023. Collection method: clinical testing. Allele origin: germline.
Comment: The c.8314A>G (p.S2772G) alteration is located in exon 66 (coding exon 65) of the FBN1 gene. This alteration results from a A to G substitution at nucleotide position 8314, causing the serine (S) at amino acid position 2772 to be replaced by a glycine (G). Based on data from gnomAD, the G allele has an overall frequency of 0.003% (1/31394) total alleles studied. The highest observed frequency was 0.012% (1/8710) of African alleles. Based on insufficient or conflicting evidence, the clinical significance of this alteration remains unclear.

Labcorp Genetics (formerly Invitae), Labcorp
Classification: Benign for Marfan syndrome; Familial thoracic aortic aneurysm and aortic dissection. Last evaluated: 2024-02-20. Review status: criteria provided, single submitter. Criteria: Invitae Variant Classification Sherloc (09022015). Collection method: clinical testing. Allele origin: germline.

NM_000138.5(FBN1):c.8314A>G (p.Ser2772Gly)

Gene: FBN1 (fibrillin 1; minus strand). Cytogenetic location: 15q21.1.
Variant type: single nucleotide variant.
Coding change: c.8314A>G on transcript NM_000138.5 (MANE Select); coding-DNA position 8314, A replaced by G.
Protein change: p.Ser2772Gly; replaces serine 2772 with glycine.
Molecular consequence: missense variant.
Genome position (GRCh38, 1-based): chr15:48,411,292, T>C on the plus strand (A>G on the coding strand, the complement: FBN1 is on the minus strand). VCF-style: chr15-48411292-T-C. GRCh37 (hg19) VCF-style: chr15-48703489-T-C.
Other names: short protein forms S2772G.
Identifiers: ClinVar variation 654730 (VCV000654730.10), dbSNP rs778014965, ClinGen allele CA059929.